The following is an entry in ClinVar:

ClinVar aggregate classification (germline): Uncertain significance (1 of 4 stars; one submission).

Conditions:
Primary familial hypertrophic cardiomyopathy (HCM). Identifiers: Orphanet 99739, MedGen C0949658, MeSH D024741, MONDO:0024573. Inheritance: Various modes of inheritance.
Dilated cardiomyopathy 1AA (CMD1AA). Also called: Cardiomyopathy, dilated, 1AA, with or without LVNC; CARDIOMYOPATHY, DILATED, 1AA, WITH OR WITHOUT LEFT VENTRICULAR NONCOMPACTION; CARDIOMYOPATHY, FAMILIAL HYPERTROPHIC, 23, WITH OR WITHOUT LEFT VENTRICULAR NONCOMPACTION. Identifiers: Orphanet 154, MedGen C2677338, MONDO:0012808, OMIM 612158.

Allele frequency attached by ClinVar (database versions not stated): gnomAD exomes below 0.00001; TOPMed below 0.00001; gnomAD 0.00001.

Submission:

Labcorp Genetics (formerly Invitae), Labcorp
Classification: Uncertain significance for Primary familial hypertrophic cardiomyopathy; Dilated cardiomyopathy 1AA. Last evaluated: 2022-04-12. Review status: criteria provided, single submitter. Criteria: Invitae Variant Classification Sherloc (09022015). Collection method: clinical testing. Allele origin: germline.
Comment: This variant is not present in population databases (gnomAD no frequency). This variant has not been reported in the literature in individuals affected with ACTN2-related conditions. ClinVar contains an entry for this variant (Variation ID: 946800). Algorithms developed to predict the effect of missense changes on protein structure and function are either unavailable or do not agree on the potential impact of this missense change (SIFT: "Deleterious"; PolyPhen-2: "Benign"; Align-GVGD: "Class C0"). In summary, the available evidence is currently insufficient to determine the role of this variant in disease. Therefore, it has been classified as a Variant of Uncertain Significance. This sequence change replaces serine, which is neutral and polar, with asparagine, which is neutral and polar, at codon 874 of the ACTN2 protein (p.Ser874Asn).

NM_001103.4(ACTN2):c.2621G>A (p.Ser874Asn)

Gene: ACTN2 (actinin alpha 2; plus strand). Cytogenetic location: 1q43.
Variant type: single nucleotide variant.
Coding change: c.2621G>A on transcript NM_001103.4 (MANE Select); coding-DNA position 2621, G replaced by A.
Protein change: p.Ser874Asn; replaces serine 874 with asparagine.
Molecular consequence: missense variant.
Genome position (GRCh38, 1-based): chr1:236,762,555, G>A. VCF-style: chr1-236762555-G-A. GRCh37 (hg19) VCF-style: chr1-236925855-G-A.
Other names: c.2621G>A, p.Ser874Asn (NM_001278343.2); c.1997G>A, p.Ser666Asn (NM_001278344.2); short protein forms S874N, S666N.
Identifiers: ClinVar variation 946800 (VCV000946800.6), dbSNP rs1285035538, ClinGen allele CA345392463.